The following is an entry in ClinVar:

ClinVar aggregate classification (germline): Uncertain significance. Review status: criteria provided, multiple submitters, no conflicts (2 of 4 stars). 2 submissions from 2 submitters: Uncertain significance (2). Last evaluated 2026-02-24.

Conditions:
Inborn genetic diseases. Identifiers: MedGen C0950123, MeSH D030342.

Submissions (2):

Ambry Genetics
Classification: Uncertain significance for Inborn genetic diseases. Last evaluated: 2026-02-24. Review status: criteria provided, single submitter. Criteria: Ambry Variant Classification Scheme 2023. Collection method: clinical testing. Allele origin: germline.

GeneDx
Classification: Uncertain significance. Last evaluated: 2025-04-29. Review status: criteria provided, single submitter. Criteria: GeneDx Variant Classification Process June 2021. Collection method: clinical testing. Allele origin: germline. Affected: yes.
Comment: Not observed at significant frequency in large population cohorts (gnomAD); In silico analysis supports that this missense variant has a deleterious effect on protein structure/function; Has not been previously published as pathogenic or benign to our knowledge

NM_005422.4(TECTA):c.5129C>G (p.Pro1710Arg)

Genes: TBCEL-TECTA (TBCEL-TECTA readthrough; plus strand), TECTA (tectorin alpha; plus strand). Cytogenetic location: 11q23.3.
Variant type: single nucleotide variant.
Coding change: c.5129C>G on transcript NM_005422.4 (MANE Select); coding-DNA position 5129, C replaced by G.
Protein change: p.Pro1710Arg; replaces proline 1710 with arginine.
Molecular consequence: missense variant.
Genome position (GRCh38, 1-based): chr11:121,162,227, C>G. VCF-style: chr11-121162227-C-G. GRCh37 (hg19) VCF-style: chr11-121032936-C-G.
Other names: c.6071C>G, p.Pro2024Arg (NM_001378761.1); short protein forms P1710R, P2024R.
Identifiers: ClinVar variation 4527725 (VCV004527725.2).